The following is an entry in ClinVar:

NM_016239.4(MYO15A):c.4663A>G (p.Ile1555Val)

Gene: MYO15A (myosin XVA; plus strand). Cytogenetic location: 17p11.2.
Variant type: single nucleotide variant.
Coding change: c.4663A>G on transcript NM_016239.4 (MANE Select); coding-DNA position 4663, A replaced by G.
Protein change: p.Ile1555Val; replaces isoleucine 1555 with valine.
Molecular consequence: missense variant.
Genome position (GRCh38, 1-based): chr17:18,136,570, A>G. VCF-style: chr17-18136570-A-G. GRCh37 (hg19) VCF-style: chr17-18039884-A-G.
Other names: short protein forms I1555V.
Identifiers: ClinVar variation 4082907 (VCV004082907.1).

ClinVar aggregate classification (germline): Uncertain significance (1 of 4 stars; one submission).

Submission:

GeneDx
Classification: Uncertain significance. Last evaluated: 2025-03-14. Review status: criteria provided, single submitter. Criteria: GeneDx Variant Classification Process June 2021. Collection method: clinical testing. Allele origin: germline. Affected: yes.
Comment: Not observed at significant frequency in large population cohorts (gnomAD); In silico analysis indicates that this missense variant does not alter protein structure/function; Has not been previously published as pathogenic or benign to our knowledge